The following is an entry in ClinVar:

ClinVar aggregate classification (germline): Uncertain significance. Review status: criteria provided, multiple submitters, no conflicts (2 of 4 stars). 2 submissions from 2 submitters: Uncertain significance (2). Last evaluated 2026-03-01.

Allele frequency attached by ClinVar (database versions not stated): ExAC 0.00001; gnomAD exomes 0.00001.
gnomAD v4.1: 3 of 1,568,064 alleles (0.00019%); highest among the groups gnomAD compares: African/African-American, 0.0014%; no homozygotes.

Submissions (2):

CeGaT Center for Human Genetics Tuebingen
Classification: Uncertain significance. Last evaluated: 2026-03-01. Review status: criteria provided, single submitter. Criteria: CeGaT Center For Human Genetics Tuebingen Variant Classification Criteria Version 2. Collection method: clinical testing. Allele origin: germline. Affected: yes. Observed: 2 variant alleles.
Comment: PSMA3: PM2

Labcorp Genetics (formerly Invitae), Labcorp
Classification: Uncertain significance. Last evaluated: 2025-12-17. Review status: criteria provided, single submitter. Criteria: Invitae Variant Classification Sherloc (09022015). Collection method: clinical testing. Allele origin: germline.
Comment: This sequence change replaces arginine, which is basic and polar, with cysteine, which is neutral and slightly polar, at codon 188 of the PSMA3 protein (p.Arg188Cys). The frequency data for this variant in the population databases is considered unreliable, as metrics indicate poor data quality at this position in the gnomAD database. This variant has not been reported in the literature in individuals affected with PSMA3-related conditions. ClinVar contains an entry for this variant (Variation ID: 2672560). An algorithm developed to predict the effect of missense changes on protein structure and function outputs the following: PolyPhen-2: "Benign". The cysteine amino acid residue is found in multiple mammalian species, which suggests that this missense change does not adversely affect protein function. In summary, the available evidence is currently insufficient to determine the role of this variant in disease. Therefore, it has been classified as a Variant of Uncertain Significance.

NM_002788.4(PSMA3):c.562C>T (p.Arg188Cys)

Genes: PSMA3 (proteasome 20S subunit alpha 3; plus strand), PSMA3-AS1 (PSMA3 antisense RNA 1; minus strand). Cytogenetic location: 14q23.1.
Variant type: single nucleotide variant.
Coding change: c.562C>T on transcript NM_002788.4 (MANE Select); coding-DNA position 562, C replaced by T.
Protein change: p.Arg188Cys; replaces arginine 188 with cysteine.
Molecular consequence: missense variant. On other transcripts: non-coding transcript variant (1).
Genome position (GRCh38, 1-based): chr14:58,267,492, C>T. VCF-style: chr14-58267492-C-T. GRCh37 (hg19) VCF-style: chr14-58734210-C-T.
Other names: c.541C>T, p.Arg181Cys (NM_152132.3); short protein forms R181C, R188C.
Identifiers: ClinVar variation 2672560 (VCV002672560.24), dbSNP rs765244048, ClinGen allele CA7203838.